The following is an entry in ClinVar:

ClinVar aggregate classification (germline): Pathogenic (1 of 4 stars; one submission).

Conditions:
Marshall-Smith syndrome (MRSHSS). Identifiers: Orphanet 561, MedGen C0265211, MONDO:0011244, OMIM 602535.
Malan overgrowth syndrome (MALNS). Also called: MALAN SYNDROME; Sotos syndrome 2; NFIX-Related Malan Syndrome. Identifiers: Orphanet 420179, MedGen C3553660, MONDO:0013885, OMIM 614753.

Submission:

Labcorp Genetics (formerly Invitae), Labcorp
Classification: Pathogenic for Malan overgrowth syndrome; Marshall-Smith syndrome. Last evaluated: 2021-05-26. Review status: criteria provided, single submitter. Criteria: Invitae Variant Classification Sherloc (09022015). Collection method: clinical testing. Allele origin: germline.
Comment: This sequence change creates a premature translational stop signal (p.Glu61Glyfs*68) in the NFIX gene. It is expected to result in an absent or disrupted protein product. Loss-of-function variants in NFIX are known to be pathogenic (PMID: 20673863, 20949508, 24924640, 25118028). This variant is not present in population databases (ExAC no frequency). This variant has not been reported in the literature in individuals with NFIX-related conditions. For these reasons, this variant has been classified as Pathogenic.

Literature cited by the submitters: PubMed 20673863; PubMed 20949508; PubMed 24924640; PubMed 25118028.

NM_001365902.3(NFIX):c.149_155dup (p.Glu53fs)

Gene: NFIX (nuclear factor I X; plus strand). Cytogenetic location: 19p13.13.
Variant type: Duplication.
Coding change: c.149_155dup on transcript NM_001365902.3 (MANE Select); coding-DNA positions 149 to 155, 7 bases duplicated (AGGACGA; older notation c.149_155dupAGGACGA).
Protein change: p.Glu53fs; shifts the reading frame from glutamic acid 53.
Molecular consequence: frameshift variant.
Genome position (GRCh38, 1-based): chr19:13,025,142-13,025,148, AGGACGA duplicated; duplicating any 7 consecutive bases within chr19:13,025,139-13,025,148 gives the same sequence; the c. name uses the placement nearest the transcript's 3' end. VCF-style (leftmost placement, unchanged base first): chr19-13025138-T-TCGAAGGA. GRCh37 (hg19) VCF-style: chr19-13135952-T-TCGAAGGA.
Other names: c.173_179dup, p.Glu61fs (NM_001271043.2); c.125_131dup, p.Glu45fs (NM_001271044.3, NM_001378404.1); c.149_155dup, p.Glu53fs (NM_001365982.2, NM_002501.4); c.8_14dup, p.Glu6fs (NM_001365983.2); c.146_152dup, p.Glu52fs (NM_001365984.2, NM_001365985.2); c.197_203dup, p.Glu69fs (NM_001378405.1); short protein forms E69fs, E6fs, E45fs, E52fs, E53fs, E61fs.
Identifiers: ClinVar variation 1453603 (VCV001453603.6), dbSNP rs2145191473, ClinGen allele CA2573156008.